The following is an entry in ClinVar:

NM_005560.6(LAMA5):c.6421C>T (p.Arg2141Cys)

Gene: LAMA5 (laminin subunit alpha 5; minus strand). Cytogenetic location: 20q13.33.
Variant type: single nucleotide variant.
Coding change: c.6421C>T on transcript NM_005560.6 (MANE Select); coding-DNA position 6421, C replaced by T.
Protein change: p.Arg2141Cys; replaces arginine 2141 with cysteine.
Molecular consequence: missense variant.
Genome position (GRCh38, 1-based): chr20:62,322,094, G>A on the plus strand (C>T on the coding strand, the complement: LAMA5 is on the minus strand). VCF-style: chr20-62322094-G-A. GRCh37 (hg19) VCF-style: chr20-60897150-G-A.
Other names: short protein forms R2141C.
Identifiers: ClinVar variation 3351655 (VCV003351655.1).
Genomic context (GRCh38, chr20:62,322,094, plus strand): 5'-TGTGGCCCACAGGCCCGCCTGGAACAGGCACCTGATGCTGCTGGCTGCAGGTGTCGCAGC[G>A]CTCCCCGCTGAGCCCCGGGGGGCAGTTGCAGCGGCCCGTGTGAGGGTCACAGCGGCCCCC-3'
Protein context (NP_005551.3, residues 2131-2151): CNCPPGLSGE[Arg2141Cys]CDTCSQQHQV

ClinVar aggregate classification (germline): Uncertain significance (0 of 4 stars; one submission).

Conditions:
LAMA5-related disorder. Also called: LAMA5-related condition; LAMA5-Related Disorders.

gnomAD v4.1: 58 of 1,602,070 alleles (0.0036%); highest among the groups gnomAD compares: South Asian, 0.022%; 1 homozygote.

Submission:

PreventionGenetics, part of Exact Sciences
Classification: Uncertain significance for LAMA5-related condition. Last evaluated: 2024-05-16. Review status: no assertion criteria provided. Collection method: clinical testing. Allele origin: germline.
Comment: The LAMA5 c.6421C>T variant is predicted to result in the amino acid substitution p.Arg2141Cys. To our knowledge, this variant has not been reported in the literature. This variant is reported in 0.029% of alleles in individuals of South Asian descent in gnomAD. At this time, the clinical significance of this variant is uncertain due to the absence of conclusive functional and genetic evidence.